The following is an entry in ClinVar:

ClinVar aggregate classification (germline): Uncertain significance (1 of 4 stars; one submission).

Allele frequency attached by ClinVar (database versions not stated): gnomAD exomes below 0.00001; gnomAD 0.00001; TOPMed 0.00004.
gnomAD v4.1: 4 of 1,613,688 alleles (0.00025%); highest among the groups gnomAD compares: Admixed American, 0.0033%; no homozygotes.

Submission:

New York Genome Center
Classification: Uncertain significance. Last evaluated: 2021-07-07. Review status: criteria provided, single submitter. Criteria: NYGC Assertion Criteria 2020. Collection method: clinical testing. Allele origin: inherited. Observed: 1 heterozygote. Study: CSER-NYCKidSeq.
Comment: The c.853G>A (p.Gly285Arg) variant in exon 9 of 68 of WDFY3 (not in any conserved domain) has not been reported in affected individuals in the available literature.This variant has a very low frequency in gnomAD v3 (allele frequency 0.0001309, 2/15276 alleles, 0 homozygotes) indicating it is not a common benign variant in the populations represented in this database. In silico predictors suggest this variant is Benign (REVEL score: 0.1609) and tolerated (SIFT score: 0.083). Given the current evidence regarding its pathogenicity, the c.853G>A (p.Gly285Arg) variant identified in the WDFY3 gene is classified as a Variant of uncertainsignificance.

NM_014991.6(WDFY3):c.853G>A (p.Gly285Arg)

Gene: WDFY3 (WD repeat and FYVE domain containing 3; minus strand). Cytogenetic location: 4q21.23.
Variant type: single nucleotide variant.
Coding change: c.853G>A on transcript NM_014991.6 (MANE Select); coding-DNA position 853, G replaced by A.
Protein change: p.Gly285Arg; replaces glycine 285 with arginine.
Molecular consequence: missense variant.
Genome position (GRCh38, 1-based): chr4:84,829,107, C>T on the plus strand (G>A on the coding strand, the complement: WDFY3 is on the minus strand). VCF-style: chr4-84829107-C-T. GRCh37 (hg19) VCF-style: chr4-85750260-C-T.
Other names: short protein forms G285R.
Identifiers: ClinVar variation 1342578 (VCV001342578.1), dbSNP rs1755285173, ClinGen allele CA357540702.